The following is an entry in ClinVar:

ClinVar aggregate classification (germline): Uncertain significance (1 of 4 stars; one submission).

Conditions:
Inborn genetic diseases. Identifiers: MedGen C0950123, MeSH D030342.

Submission:

Ambry Genetics
Classification: Uncertain significance for Inborn genetic diseases. Last evaluated: 2026-09-14. Review status: criteria provided, single submitter. Criteria: Ambry Variant Classification Scheme 2023. Collection method: clinical testing. Allele origin: germline.
Comment: The p.D239N variant (also known as c.715G>A), located in coding exon 7 of the USB1 gene, results from a G to A substitution at nucleotide position 715. The aspartic acid at codon 239 is replaced by asparagine, an amino acid with highly similar properties. This amino acid position is conserved. In addition, this alteration is predicted to be tolerated by in silico analysis. Based on the available evidence, the clinical significance of this variant remains unclear.

NM_024598.4(USB1):c.715G>A (p.Asp239Asn)

Gene: USB1 (U6 snRNA biogenesis phosphodiesterase 1; plus strand). Cytogenetic location: 16q21.
Variant type: single nucleotide variant.
Coding change: c.715G>A on transcript NM_024598.4 (MANE Select); coding-DNA position 715, G replaced by A.
Protein change: p.Asp239Asn; replaces aspartic acid 239 with asparagine.
Molecular consequence: missense variant.
Genome position (GRCh38, 1-based): chr16:58,020,162, G>A. VCF-style: chr16-58020162-G-A. GRCh37 (hg19) VCF-style: chr16-58054066-G-A.
Other names: c.661G>A, p.Asp221Asn (NM_001195302.2); c.562G>A, p.Asp188Asn (NM_001330568.2); short protein forms D239N, D221N, D188N.
Identifiers: ClinVar variation 5031637 (VCV005031637.1).